The following is an entry in ClinVar:

ClinVar aggregate classification (germline): Likely benign. Review status: criteria provided, multiple submitters, no conflicts (2 of 4 stars). 6 submissions from 6 submitters: Likely benign (4). 2 of the submissions do not count toward it. Last evaluated 2026-01-28.

Allele frequency attached by ClinVar (database versions not stated): 1000 Genomes Project 0.00120; 1000 Genomes Project 30x 0.00125; ExAC 0.00288; gnomAD exomes 0.00297 and 0.00587; TOPMed 0.00302; gnomAD 0.00328 and 0.00336; ESP Exome Variant Server 0.00485.
gnomAD v4.1: 9,024 of 1,611,752 alleles (0.56%); highest among the groups gnomAD compares: Non-Finnish European, 0.72%; 76 homozygotes.

Submissions (6):

Women's Health and Genetics/Laboratory Corporation of America, LabCorp
Classification: Likely benign. Last evaluated: 2026-01-28. Review status: criteria provided, single submitter. Criteria: LabCorp Variant Classification Summary - May 2015. Collection method: clinical testing. Allele origin: germline.
Comment: Variant summary: CFHR4 c.1166A>T (p.Gln389Leu) results in a non-conservative amino acid change in the encoded protein sequence. Algorithms developed to predict the effect of missense changes on protein structure and function are either unavailable or do not agree on the potential impact of this missense change. The variant allele was found at a frequency of 0.003 in 247676 control chromosomes in the gnomAD database, including 12 homozygotes. The observed variant frequency exceeds the estimated maximal expected allele frequency for disease-causing variants in CFHR4. To our knowledge, no occurrence of c.1166A>T in individuals affected with CFHR4-related conditions and no experimental evidence demonstrating its impact on protein function have been reported. The following publications have been ascertained in the context of this evaluation (PMID: 27196323, 37286573, 35373096). ClinVar contains an entry for this variant (Variation ID: 726937). Based on the evidence outlined above, the variant was classified as likely benign.

Mayo Clinic Laboratories, Mayo Clinic
Classification: Likely benign. Last evaluated: 2024-12-23. Review status: criteria provided, single submitter. Criteria: ACMG Guidelines, 2015. Collection method: clinical testing. Allele origin: germline. Observed: 21 variant alleles.
Comment: BS2, BP4

CeGaT Center for Human Genetics Tuebingen
Classification: Likely benign. Last evaluated: 2023-12-01. Review status: criteria provided, single submitter. Criteria: CeGaT Center For Human Genetics Tuebingen Variant Classification Criteria Version 2. Collection method: clinical testing. Allele origin: germline. Affected: yes. Observed: 2 variant alleles.
Comment: CFHR4: BP4, BS2

Labcorp Genetics (formerly Invitae), Labcorp
Classification: Likely benign. Last evaluated: 2019-12-31. Review status: criteria provided, single submitter. Criteria: Invitae Variant Classification Sherloc (09022015). Collection method: clinical testing. Allele origin: germline.

Clinical Genetics DNA and cytogenetics Diagnostics Lab, Erasmus MC, Erasmus Medical Center
Classification: Likely benign. Review status: no assertion criteria provided. Collection method: clinical testing. Allele origin: germline. Affected: yes. Study: VKGL Data-share Consensus. Not counted in ClinVar's aggregate classification.

Joint Genome Diagnostic Labs from Nijmegen and Maastricht, Radboudumc and MUMC+
Classification: Likely benign. Review status: no assertion criteria provided. Collection method: clinical testing. Allele origin: germline. Affected: yes. Study: VKGL Data-share Consensus. Not counted in ClinVar's aggregate classification.

Literature cited by the submitters: PubMed 27196323 (cited by Women's Health and Genetics/Laboratory Corporation of America, LabCorp); PubMed 37286573 (cited by Women's Health and Genetics/Laboratory Corporation of America, LabCorp); PubMed 35373096 (cited by Women's Health and Genetics/Laboratory Corporation of America, LabCorp).

NM_001201550.3(CFHR4):c.1166A>T (p.Gln389Leu)

Gene: CFHR4 (complement factor H related 4; plus strand). Cytogenetic location: 1q31.3.
Variant type: single nucleotide variant.
Coding change: c.1166A>T on transcript NM_001201550.3 (MANE Select); coding-DNA position 1166, A replaced by T.
Protein change: p.Gln389Leu; replaces glutamine 389 with leucine.
Molecular consequence: missense variant.
Genome position (GRCh38, 1-based): chr1:196,912,908, A>T. VCF-style: chr1-196912908-A-T. GRCh37 (hg19) VCF-style: chr1-196882038-A-T.
Other names: p.Gln388Leu; c.1163A>T, p.Gln388Leu (NM_001201551.2); c.425A>T, p.Gln142Leu (NM_006684.5); short protein forms Q142L, Q388L, Q389L.
Identifiers: ClinVar variation 726937 (VCV000726937.36), dbSNP rs181498339, ClinGen allele CA1307049.
Genomic context (GRCh38, chr1:196,912,908, plus strand): 5'-CAACAGCAGATGGAAATTCTTCAGGTTCAATTACATGTTTGCAAAATGGATGGTCAGCAC[A>T]ACCAATTTGCATTAGTAAGTGATTTACATATTCCCATTCAGTTTCTGTCAACTTCGTTCC-3'
Protein context (NP_001188479.1, residues 379-399): ITCLQNGWSA[Gln389Leu]PICIKFCDMP